The following is an entry in ClinVar:

ClinVar aggregate classification (germline): Likely pathogenic (1 of 4 stars; one submission).

Conditions:
Dilated cardiomyopathy 1G (CMD1G). Identifiers: Orphanet 154, MedGen C1858763, MONDO:0011400, OMIM 604145.
Autosomal recessive limb-girdle muscular dystrophy type 2J (LGMDR10). Also called: Limb-girdle muscular dystrophy, type 2J; MUSCULAR DYSTROPHY, LIMB-GIRDLE, AUTOSOMAL RECESSIVE 10. Identifiers: Orphanet 140922, MedGen C1837342, MONDO:0012127, OMIM 608807.

Submission:

Labcorp Genetics (formerly Invitae), Labcorp
Classification: Likely pathogenic for Dilated cardiomyopathy 1G; Autosomal recessive limb-girdle muscular dystrophy type 2J. Last evaluated: 2019-07-25. Review status: criteria provided, single submitter. Criteria: Invitae Variant Classification Sherloc (09022015). Collection method: clinical testing. Allele origin: germline.
Comment: This variant has not been reported in the literature in individuals with TTN-related conditions. This variant is not present in population databases (ExAC no frequency). This sequence change results in a premature translational stop signal in the TTN gene (p.Ile30120Leufs*3). While this is not anticipated to result in nonsense mediated decay, it is expected to create a truncated TTN protein. This variant is located in the A band of TTN (PMID: 25589632). Truncating variants in this region are significantly overrepresented in patients affected with dilated cardiomyopathy (PMID: 25589632). Truncating variants in this region have also been reported in individuals affected with autosomal recessive centronuclear myopathy (PMID: 23975875). In summary, the currently available evidence indicates that the variant is pathogenic, but additional data are needed to prove that conclusively. Therefore, this variant has been classified as Likely Pathogenic.

Literature cited by the submitters: PubMed 25589632; PubMed 23975875.

NM_001267550.2(TTN):c.90358del (p.Ile30120fs)

Genes: TTN-AS1 (TTN antisense RNA 1; plus strand), TTN (titin; minus strand). Cytogenetic location: 2q31.2.
Variant type: Deletion.
Coding change: c.90358del on transcript NM_001267550.2 (MANE Select); coding-DNA position 90358, one base deleted (A; older notation c.90358delA).
Protein change: p.Ile30120fs; shifts the reading frame from isoleucine 30120.
Molecular consequence: frameshift variant.
Genome position (GRCh38, 1-based): chr2:178,552,542, T deleted on the plus strand (A on the coding strand, the reverse complement: TTN is on the minus strand); the first of 2 consecutive T bases (chr2:178,552,542-178,552,543); deleting either gives the same sequence. VCF-style (leftmost placement, unchanged base first): chr2-178552541-AT-A. GRCh37 (hg19) VCF-style: chr2-179417268-AT-A.
Other names: c.85435del, p.Ile28479fs (NM_001256850.1); c.63163del, p.Ile21055fs (NM_003319.4); c.82654del, p.Ile27552fs (NM_133378.4); c.63538del, p.Ile21180fs (NM_133432.3); c.63739del, p.Ile21247fs (NM_133437.4); short protein forms I21055fs, I21180fs, I27552fs, I21247fs, I28479fs, I30120fs.
Identifiers: ClinVar variation 938178 (VCV000938178.10), dbSNP rs1699849996, ClinGen allele CA1139657396.